The following is an entry in ClinVar:

ClinVar aggregate classification (germline): Conflicting classifications of pathogenicity. Review status: criteria provided, conflicting classifications (1 of 4 stars). 4 submissions from 4 submitters: Uncertain significance (3); Benign (1). Last evaluated 2025-09-11.

Conditions:
Inborn genetic diseases. Identifiers: MedGen C0950123, MeSH D030342.
Luscan-Lumish syndrome. Identifiers: Orphanet 597738, MedGen C4085873, MONDO:0014791, OMIM 616831.

Allele frequency attached by ClinVar (database versions not stated): gnomAD 0.00001; TOPMed 0.00002.

Submissions (4):

Ambry Genetics
Classification: Uncertain significance for Inborn genetic diseases. Last evaluated: 2025-09-11. Review status: criteria provided, single submitter. Criteria: Ambry Variant Classification Scheme 2023. Collection method: clinical testing. Allele origin: germline.

GeneDx
Classification: Uncertain significance. Last evaluated: 2023-02-08. Review status: criteria provided, single submitter. Criteria: GeneDx Variant Classification Process June 2021. Collection method: clinical testing. Allele origin: germline. Affected: yes.
Comment: Not observed at significant frequency in large population cohorts (gnomAD); In silico analysis supports that this missense variant has a deleterious effect on protein structure/function; Has not been previously published as pathogenic or benign to our knowledge

New York Genome Center
Classification: Uncertain significance for Luscan-Lumish syndrome. Last evaluated: 2020-05-01. Review status: criteria provided, single submitter. Criteria: NYGC Assertion Criteria 2020. Collection method: clinical testing. Allele origin: inherited. Observed: 1 heterozygote. Study: CSER-NYCKidSeq.
Comment: The inherited c.6029C>T (p.Thr2010Ile) missense variant in exon 12 of 21 of SETD2 has not been reported in affected individuals in the available literature. This variant is not present in gnomAD indicating it is not a common benign variant in the populations represented in this database. In silico predictors suggest this variant is Damaging (Provean; score: -2.57) and Tolerated (SIFT; score: 0.085). Given the conflicting evidence regarding its pathogenicity, the inherited c.6029C>T (p.Thr2010Ile) variant identified in the SETD2 gene is reported as a Variant of Uncertain Significance.

Labcorp Genetics (formerly Invitae), Labcorp
Classification: Benign for Luscan-Lumish syndrome. Last evaluated: 2020-03-07. Review status: criteria provided, single submitter. Criteria: Invitae Variant Classification Sherloc (09022015). Collection method: clinical testing. Allele origin: germline.

NM_014159.7(SETD2):c.6029C>T (p.Thr2010Ile)

Gene: SETD2 (SET domain containing 2, histone lysine methyltransferase; minus strand). Cytogenetic location: 3p21.31.
Variant type: single nucleotide variant.
Coding change: c.6029C>T on transcript NM_014159.7 (MANE Select); coding-DNA position 6029, C replaced by T.
Protein change: p.Thr2010Ile; replaces threonine 2010 with isoleucine.
Molecular consequence: missense variant. On other transcripts: non-coding transcript variant (1).
Genome position (GRCh38, 1-based): chr3:47,083,751, G>A on the plus strand (C>T on the coding strand, the complement: SETD2 is on the minus strand). VCF-style: chr3-47083751-G-A. GRCh37 (hg19) VCF-style: chr3-47125241-G-A.
Other names: c.5897C>T, p.Thr1966Ile (NM_001349370.3); short protein forms T2010I, T1966I.
Identifiers: ClinVar variation 955336 (VCV000955336.12), dbSNP rs2041416610, ClinGen allele CA352530313.
Genomic context (GRCh38, chr3:47,083,751, plus strand): 5'-GTTGAAATGAACAAAAGATGCTTCCTTACCTTTAGGTCTTTCCAACTGTCCAGGAGTTTG[G>A]TGGCCAAATCACTTATATCCACTGTTTTATCTGGCTGTTCTTGGCTCCTTTCACTCTCCA-3'
Protein context (NP_054878.5, residues 2000-2020): DKTVDISDLA[Thr2010Ile]KLLDSWKDLK